The following is an entry in ClinVar:

ClinVar aggregate classification (germline): Uncertain significance (1 of 4 stars; one submission).

Allele frequency attached by ClinVar (database versions not stated): gnomAD exomes 0.00001 and 0.00002; ExAC 0.00005.
gnomAD v4.1: 9 of 1,604,720 alleles (0.00056%); highest among the groups gnomAD compares: Non-Finnish European, 0.00068%; no homozygotes.

Submission:

Labcorp Genetics (formerly Invitae), Labcorp
Classification: Uncertain significance. Last evaluated: 2022-07-12. Review status: criteria provided, single submitter. Criteria: Invitae Variant Classification Sherloc (09022015). Collection method: clinical testing. Allele origin: germline.
Comment: This sequence change falls in intron 16 of the RBBP8 gene. It does not directly change the encoded amino acid sequence of the RBBP8 protein. It affects a nucleotide within the consensus splice site. This variant is present in population databases (rs773934541, gnomAD 0.005%). This variant has not been reported in the literature in individuals affected with RBBP8-related conditions. ClinVar contains an entry for this variant (Variation ID: 1369916). Variants that disrupt the consensus splice site are a relatively common cause of aberrant splicing (PMID: 17576681, 9536098). Algorithms developed to predict the effect of sequence changes on RNA splicing suggest that this variant may disrupt the consensus splice site. In summary, the available evidence is currently insufficient to determine the role of this variant in disease. Therefore, it has been classified as a Variant of Uncertain Significance.

Literature cited by the submitters: PubMed 17576681; PubMed 9536098.

NM_002894.3(RBBP8):c.2358-3C>G

Gene: RBBP8 (RB binding protein 8, endonuclease; plus strand). Cytogenetic location: 18q11.2.
Variant type: single nucleotide variant.
Coding change: c.2358-3C>G on transcript NM_002894.3 (MANE Select); 3 bases into the intron before coding-DNA position 2358, C replaced by G.
Molecular consequence: intron variant.
Genome position (GRCh38, 1-based): chr18:23,016,825, C>G. VCF-style: chr18-23016825-C-G. GRCh37 (hg19) VCF-style: chr18-20596788-C-G.
Other names: c.2358-5304C>G (NM_203292.2); c.2358-3C>G (NM_203291.2).
Identifiers: ClinVar variation 1369916 (VCV001369916.6), dbSNP rs773934541, ClinGen allele CA8910339.